The following is an entry in ClinVar:

ClinVar aggregate classification (germline): Likely pathogenic (0 of 4 stars; one submission).

Conditions:
CREBBP-related disorder. Also called: CREBBP-related condition; CREBBP-related disorders.

Submission:

PreventionGenetics, part of Exact Sciences
Classification: Likely pathogenic for CREBBP-related condition. Last evaluated: 2024-06-07. Review status: no assertion criteria provided. Collection method: clinical testing. Allele origin: germline.
Comment: The CREBBP c.3061-1G>A variant is predicted to disrupt the AG splice acceptor site and interfere with normal splicing. To our knowledge, this variant has not been reported in the literature or in a large population database, indicating this variant is rare. Variants that disrupt the consensus splice acceptor site in CREBBP are expected to be pathogenic. This variant is interpreted as likely pathogenic.

NM_004380.3(CREBBP):c.3061-1G>A

Gene: CREBBP (CREB binding lysine acetyltransferase; minus strand). Cytogenetic location: 16p13.3.
Variant type: single nucleotide variant.
Coding change: c.3061-1G>A on transcript NM_004380.3 (MANE Select); the canonical splice acceptor site of the intron before coding-DNA position 3061, G replaced by A.
Molecular consequence: splice acceptor variant.
Genome position (GRCh38, 1-based): chr16:3,767,910, C>T on the plus strand (G>A on the coding strand, the complement: CREBBP is on the minus strand). VCF-style: chr16-3767910-C-T. GRCh37 (hg19) VCF-style: chr16-3817911-C-T.
Other names: c.2947-1G>A (NM_001079846.1).
Identifiers: ClinVar variation 3344145 (VCV003344145.1).
Genomic context (GRCh38, chr16:3,767,910, plus strand): 5'-CTCTGCTATGTCTGTTTCTTCTTTAACTTGGGAAGCTCCTTGCAAATCCTCCTCCATCAT[C>T]TTGAGAAAAACATTACAGATAACATATGAATATCAAACACCTTTATGTTACCGCAACCTC-3'